The following is an entry in ClinVar:

ClinVar aggregate classification (germline): Pathogenic (1 of 4 stars; one submission).

Conditions:
Wilson disease (WND). Also called: Wilson's disease. Identifiers: Orphanet 905, MedGen C0019202, MONDO:0010200, OMIM 277900. Disease mechanism: loss of function.

Submission:

Myriad Genetics, Inc.
Classification: Pathogenic for Wilson disease. Last evaluated: 2026-05-30. Review status: criteria provided, single submitter. Criteria: Myriad Autosomal Dominant, Autosomal Recessive and X-Linked Classification Criteria (2023). Collection method: clinical testing. Allele origin: unknown.
Comment: NM_000053.3(ATP7B):c.2689dupG(A897Gfs*22) is expected to be pathogenic in the context of Wilson disease. This variant is predicted to lead to an abnormal or absent protein product due to the creation of a premature termination codon in ATP7B, a gene where loss-of-function variants are known to be pathogenic. Please note: this variant was assessed in the context of healthy population screening.

NM_000053.4(ATP7B):c.2689dup (p.Ala897fs)

Gene: ATP7B (ATPase copper transporting beta; minus strand). Cytogenetic location: 13q14.3.
Variant type: Duplication.
Coding change: c.2689dup on transcript NM_000053.4 (MANE Select); coding-DNA position 2689, one base duplicated (G; older notation c.2689dupG).
Protein change: p.Ala897fs; shifts the reading frame from alanine 897.
Molecular consequence: frameshift variant.
Genome position (GRCh38, 1-based): chr13:51,950,048, C duplicated on the plus strand (G on the coding strand, the reverse complement: ATP7B is on the minus strand); the first of 2 consecutive C bases (chr13:51,950,048-51,950,049); duplicating either gives the same sequence. VCF-style (leftmost placement, unchanged base first): chr13-51950047-G-GC. GRCh37 (hg19) VCF-style: chr13-52524183-G-GC.
Other names: c.2203dup, p.Ala735fs (NM_001005918.3, NM_001406541.1, NM_001406542.1 and 1 more transcripts); c.2356dup, p.Ala786fs (NM_001243182.2); c.2455dup, p.Ala819fs (NM_001330578.2, NM_001406527.1, NM_001406528.1 and 2 more transcripts); c.2437dup, p.Ala813fs (NM_001330579.2, NM_001406531.1, NM_001406532.1 and 1 more transcripts); c.2689dup, p.Ala897fs (NM_001406511.1, NM_001406512.1, NM_001406513.1 and 7 more transcripts); c.2656dup, p.Ala886fs (NM_001406514.1); c.2593dup, p.Ala865fs (NM_001406517.1, NM_001406518.1); c.2545dup, p.Ala849fs (NM_001406520.1, NM_001406521.1, NM_001406522.1 and 1 more transcripts); and 8 more; short protein forms A467fs, A681fs, A703fs, A735fs, A754fs, A781fs, A786fs, A787fs.
Identifiers: ClinVar variation 5015980 (VCV005015980.1).
Genomic context (GRCh38, chr13:51,950,047, plus strand): 5'-TTTAAAAATTTCTTCATTACCTTTGACATCTGAGCCTCTTCCACCAGTTTCACAATCTGA[G>GC]CCAAAGTGGTGTCATTGCCCACGTGGGTAGCTTTAATGAGCACAGAGCCATGTGCATTTA-3'